The following is an entry in ClinVar:

NM_033380.3(COL4A5):c.990G>T (p.Lys330Asn)

Gene: COL4A5 (collagen type IV alpha 5 chain; plus strand). Cytogenetic location: Xq22.3.
Variant type: single nucleotide variant.
Coding change: c.990G>T on transcript NM_033380.3 (MANE Select); coding-DNA position 990, G replaced by T.
Protein change: p.Lys330Asn; replaces lysine 330 with asparagine.
Molecular consequence: missense variant.
Genome position (GRCh38, 1-based): chrX:108,582,937, G>T. VCF-style: chrX-108582937-G-T. GRCh37 (hg19) VCF-style: chrX-107826167-G-T.
Other names: c.990G>T, p.Lys330Asn (NM_000495.5); c.990G>T (NM_000495.4); short protein forms K330N.
Identifiers: ClinVar variation 1160819 (VCV001160819.12), dbSNP rs1351189637, ClinGen allele CA413927812.

ClinVar aggregate classification (germline): Conflicting classifications of pathogenicity. Review status: criteria provided, conflicting classifications (1 of 4 stars). 3 submissions from 3 submitters: Uncertain significance (1); Likely benign (1). 1 of the submissions does not count toward it. Last evaluated 2024-02-01.

Conditions:
X-linked Alport syndrome (ATS1). Also called: COL4A5-Related Nephropathy; NEPHROPATHY AND DEAFNESS, X-LINKED. Identifiers: Orphanet 63, Orphanet 88917, MedGen C4746986, MONDO:0010520, OMIM 301050.
COL4A5-related disorder. Also called: COL4A5-related condition.

Allele frequency attached by ClinVar (database versions not stated): TOPMed below 0.00001; gnomAD exomes 0.00001; gnomAD 0.00002.
gnomAD v4.1: 13 of 1,192,786 alleles (0.0011%); highest among the groups gnomAD compares: Non-Finnish European, 0.0014%; no homozygotes.

Submissions (4):

Fulgent Genetics
Classification: Uncertain significance for X-linked Alport syndrome. Last evaluated: 2024-02-01. Review status: criteria provided, single submitter. Criteria: ACMG Guidelines, 2015. Collection method: clinical testing. Allele origin: germline.

Labcorp Genetics (formerly Invitae), Labcorp
Classification: Likely benign. Last evaluated: 2024-01-29. Review status: criteria provided, single submitter. Criteria: Invitae Variant Classification Sherloc (09022015). Collection method: clinical testing. Allele origin: germline.

PreventionGenetics, part of Exact Sciences
Classification: Uncertain significance for COL4A5-related condition. Last evaluated: 2024-03-06. Review status: no assertion criteria provided. Collection method: clinical testing. Allele origin: germline. Not counted in ClinVar's aggregate classification.
Comment: The COL4A5 c.990G>T variant is predicted to result in the amino acid substitution p.Lys330Asn. To our knowledge, this variant has not been reported in the literature. This variant is reported in 0.0032% of alleles in individuals of European (Non-Finnish) descent in gnomAD, including two hemizygotes. Although we suspect that this variant may be benign, at this time, the clinical significance of this variant is uncertain due to the absence of conclusive functional and genetic evidence.

Dr. Peter K. Rogan Lab, Western University
No classification provided (evidence only). Condition: Thyroid cancer, nonmedullary, 1. Review status: no classification provided. Collection method: in vitro. Allele origin: not applicable. Functional consequence: retained intron. Not counted in ClinVar's aggregate classification.